The following is an entry in ClinVar:

ClinVar aggregate classification (germline): Uncertain significance. Review status: criteria provided, multiple submitters, no conflicts (2 of 4 stars). 2 submissions from 2 submitters: Uncertain significance (2). Last evaluated 2024-06-04.

Conditions:
Inborn genetic diseases. Identifiers: MedGen C0950123, MeSH D030342.

Allele frequency attached by ClinVar (database versions not stated): gnomAD 0.00001; gnomAD exomes 0.00001; TOPMed 0.00001.
gnomAD v4.1: 12 of 1,613,846 alleles (0.00074%); highest among the groups gnomAD compares: Non-Finnish European, 0.001%; no homozygotes.

Submissions (2):

Ambry Genetics
Classification: Uncertain significance for Inborn genetic diseases. Last evaluated: 2024-06-04. Review status: criteria provided, single submitter. Criteria: Ambry Variant Classification Scheme 2023. Collection method: clinical testing. Allele origin: germline.
Comment: The p.G833E variant (also known as c.2498G>A), located in coding exon 15 of the CDH2 gene, results from a G to A substitution at nucleotide position 2498. The glycine at codon 833 is replaced by glutamic acid, an amino acid with similar properties. This amino acid position is conserved. In addition, this alteration is predicted to be deleterious by in silico analysis. Based on the available evidence, the clinical significance of this variant remains unclear.

Labcorp Genetics (formerly Invitae), Labcorp
Classification: Uncertain significance. Last evaluated: 2024-02-03. Review status: criteria provided, single submitter. Criteria: Invitae Variant Classification Sherloc (09022015). Collection method: clinical testing. Allele origin: germline.
Comment: This sequence change replaces glycine, which is neutral and non-polar, with glutamic acid, which is acidic and polar, at codon 833 of the CDH2 protein (p.Gly833Glu). This variant is present in population databases (rs202236593, gnomAD 0.002%). This variant has not been reported in the literature in individuals affected with CDH2-related conditions. ClinVar contains an entry for this variant (Variation ID: 1374038). An algorithm developed to predict the effect of missense changes on protein structure and function (PolyPhen-2) suggests that this variant is likely to be disruptive. In summary, the available evidence is currently insufficient to determine the role of this variant in disease. Therefore, it has been classified as a Variant of Uncertain Significance.

NM_001792.5(CDH2):c.2498G>A (p.Gly833Glu)

Genes: CDH2 (cadherin 2; minus strand), CDH2-AS1 (CDH2 antisense RNA 1; plus strand). Cytogenetic location: 18q12.1.
Variant type: single nucleotide variant.
Coding change: c.2498G>A on transcript NM_001792.5 (MANE Select); coding-DNA position 2498, G replaced by A.
Protein change: p.Gly833Glu; replaces glycine 833 with glutamic acid.
Molecular consequence: missense variant.
Genome position (GRCh38, 1-based): chr18:27,963,373, C>T on the plus strand (G>A on the coding strand, the complement: CDH2 is on the minus strand). VCF-style: chr18-27963373-C-T. GRCh37 (hg19) VCF-style: chr18-25543337-C-T.
Other names: c.2498G>A (NM_001792.3); c.2405G>A, p.Gly802Glu (NM_001308176.2); short protein forms G833E, G802E.
Identifiers: ClinVar variation 1374038 (VCV001374038.10), dbSNP rs202236593, ClinGen allele CA297662189.